The following is an entry in ClinVar:

ClinVar aggregate classification (germline): Pathogenic (1 of 4 stars; one submission).

Conditions:
Primary ciliary dyskinesia. Also called: Ciliary dyskinesia. Identifiers: Orphanet 244, MedGen C0008780, MONDO:0016575, HP:0012265.

Submission:

Labcorp Genetics (formerly Invitae), Labcorp
Classification: Pathogenic for Primary ciliary dyskinesia. Last evaluated: 2017-10-09. Review status: criteria provided, single submitter. Criteria: Invitae Variant Classification Sherloc (09022015). Collection method: clinical testing. Allele origin: germline.
Comment: For these reasons, this variant has been classified as Pathogenic. Loss-of-function variants in DNAH8 are known to be pathogenic (PMID: 24307375). This variant has not been reported in the literature in individuals with DNAH8-related disease. This variant is not present in population databases (ExAC no frequency). This sequence change creates a premature translational stop signal (p.Asn3032Metfs*30) in the DNAH8 gene. It is expected to result in an absent or disrupted protein product.

Literature cited by the submitters: PubMed 24307375.

NM_001206927.2(DNAH8):c.9095del (p.Asn3032fs)

Gene: DNAH8 (dynein axonemal heavy chain 8; plus strand). Cytogenetic location: 6p21.2.
Variant type: Deletion.
Coding change: c.9095del on transcript NM_001206927.2 (MANE Select); coding-DNA position 9095, one base deleted (A; older notation c.9095delA).
Protein change: p.Asn3032fs; shifts the reading frame from asparagine 3032.
Molecular consequence: frameshift variant.
Genome position (GRCh38, 1-based): chr6:38,899,807, A deleted; the last of 3 consecutive A bases (chr6:38,899,805-38,899,807); deleting any one gives the same sequence. VCF-style (leftmost placement, unchanged base first): chr6-38899804-GA-G. GRCh37 (hg19) VCF-style: chr6-38867580-GA-G.
Other names: c.8444del, p.Asn2815fs (NM_001371.4); short protein forms N2815fs, N3032fs.
Identifiers: ClinVar variation 566708 (VCV000566708.7), dbSNP rs1561836628, ClinGen allele CA891842900.
Genomic context (GRCh38, chr6:38,899,804, plus strand): 5'-TTCAAATAAGCACGTTTTAAATCTCAAAACAGATTTCACGAATAATTCGAACGTCGTGTG[GA>G]AATGCATTGCTGGTGGGTGTTGGTGGTTCCGGAAAACAAAGTCTTTCAAGATTGGCCTCT-3'